The following is an entry in ClinVar:

ClinVar aggregate classification (germline): Uncertain significance (1 of 4 stars; one submission).

Conditions:
Hereditary cancer-predisposing syndrome. Also called: Tumor predisposition; Hereditary Cancer Syndrome; Hereditary neoplastic syndrome; Neoplastic Syndromes, Hereditary. Identifiers: Orphanet 140162, MedGen C0027672, MeSH D009386, MONDO:0015356.

Submission:

Ambry Genetics
Classification: Uncertain significance for Hereditary cancer-predisposing syndrome. Last evaluated: 2025-10-13. Review status: criteria provided, single submitter. Criteria: Ambry Variant Classification Scheme 2023. Collection method: clinical testing. Allele origin: germline.
Comment: The p.T140I variant (also known as c.419C>T), located in coding exon 4 of the RB1 gene, results from a C to T substitution at nucleotide position 419. The threonine at codon 140 is replaced by isoleucine, an amino acid with similar properties. This amino acid position is conserved. In addition, this alteration is predicted to be tolerated by in silico analysis. Based on the available evidence, the clinical significance of this variant remains unclear.

NM_000321.3(RB1):c.419C>T (p.Thr140Ile)

Gene: RB1 (RB transcriptional corepressor 1; plus strand). Cytogenetic location: 13q14.2.
Variant type: single nucleotide variant.
Coding change: c.419C>T on transcript NM_000321.3 (MANE Select); coding-DNA position 419, C replaced by T.
Protein change: p.Thr140Ile; replaces threonine 140 with isoleucine.
Molecular consequence: missense variant.
Genome position (GRCh38, 1-based): chr13:48,345,118, C>T. VCF-style: chr13-48345118-C-T. GRCh37 (hg19) VCF-style: chr13-48919254-C-T.
Other names: c.419C>T, p.Thr140Ile (NM_001407165.1, NM_001407166.1); short protein forms T140I.
Identifiers: ClinVar variation 4543932 (VCV004543932.1).